The following is an entry in ClinVar:

NM_001144061.2(COPB1):c.2316G>A (p.Pro772=)

Gene: COPB1 (coat protein complex I subunit beta 1; minus strand). Cytogenetic location: 11p15.2.
Variant type: single nucleotide variant.
Coding change: c.2316G>A on transcript NM_001144061.2 (MANE Select); coding-DNA position 2316, G replaced by A.
Protein change: p.Pro772=; no amino-acid change (proline 772 retained).
Molecular consequence: synonymous variant.
Genome position (GRCh38, 1-based): chr11:14,465,005, C>T on the plus strand (G>A on the coding strand, the complement: COPB1 is on the minus strand). VCF-style: chr11-14465005-C-T. GRCh37 (hg19) VCF-style: chr11-14486551-C-T.
Other names: c.2316G>A, p.Pro772= (NM_001144062.2, NM_016451.5).
Identifiers: ClinVar variation 2641619 (VCV002641619.24), dbSNP rs567593749, ClinGen allele CA5894608.

ClinVar aggregate classification (germline): Likely benign (1 of 4 stars; one submission).

Allele frequency attached by ClinVar (database versions not stated): TOPMed below 0.00001; gnomAD 0.00001; ExAC 0.00002; gnomAD exomes 0.00003; 1000 Genomes Project 0.00020; 1000 Genomes Project 30x 0.00031.
gnomAD v4.1: 47 of 1,606,842 alleles (0.0029%); highest among the groups gnomAD compares: South Asian, 0.013%; no homozygotes.

Submission:

CeGaT Center for Human Genetics Tuebingen
Classification: Likely benign. Last evaluated: 2022-06-01. Review status: criteria provided, single submitter. Criteria: CeGaT Center For Human Genetics Tuebingen Variant Classification Criteria Version 2. Collection method: clinical testing. Allele origin: germline. Affected: yes. Observed: 1 variant allele.
Comment: COPB1: BP4, BP7